The following is an entry in ClinVar:

NM_001372044.2(SHANK3):c.2146G>T (p.Val716Phe)

Gene: SHANK3 (SH3 and multiple ankyrin repeat domains 3; plus strand). Cytogenetic location: 22q13.33.
Variant type: single nucleotide variant.
Coding change: c.2146G>T on transcript NM_001372044.2 (MANE Select); coding-DNA position 2146, G replaced by T.
Protein change: p.Val716Phe; replaces valine 716 with phenylalanine.
Molecular consequence: missense variant.
Genome position (GRCh38, 1-based): chr22:50,704,988, G>T. VCF-style: chr22-50704988-G-T. GRCh37 (hg19) VCF-style: chr22-51143416-G-T.
Other names: c.2145_2146delinsGT (NM_001372044.2); short protein forms V716F.
Identifiers: ClinVar variation 4849090 (VCV004849090.1).
Genomic context (GRCh38, chr22:50,704,988, plus strand): 5'-CTGGGGCGTCCCCACCCAGCTGCCTGTCTATCCCAGGTGAACGGGGTGAACGTGGTGAAG[G>T]TCGGACACAAGCAGGTGGTGGCTCTGATTCGCCAGGGTGGCAACCGCCTCGTCATGAAGG-3'
Protein context (NP_001358973.1, residues 706-726): IEVNGVNVVK[Val716Phe]GHKQVVALIR

ClinVar aggregate classification (germline): Uncertain significance (1 of 4 stars; one submission).

Submission:

Women's Health and Genetics/Laboratory Corporation of America, LabCorp
Classification: Uncertain significance. Last evaluated: 2026-04-24. Review status: criteria provided, single submitter. Criteria: LabCorp Variant Classification Summary - May 2015. Collection method: clinical testing. Allele origin: germline.
Comment: Variant summary: SHANK3 c.2145_2146delinsGT (p.Gly716Cys) results in a non-conservative amino acid change in the encoded protein sequence. Algorithms developed to predict the effect of missense changes on protein structure and function are either unavailable or do not agree on the potential impact of this missense change. The variant was absent in 280532 control chromosomes. The available data on variant occurrences in the general population are insufficient to allow any conclusion about variant significance. To our knowledge, no occurrence of c.2145_2146delinsGT in individuals affected with SHANK3-related conditions and no experimental evidence demonstrating its impact on protein function have been reported. No submitters have cited clinical-significance assessments for this variant to ClinVar. Based on the evidence outlined above, the variant was classified as uncertain significance.